The following is an entry in ClinVar:

ClinVar aggregate classification (germline): Uncertain significance (1 of 4 stars; one submission).

gnomAD v4.1: 7 of 1,609,304 alleles (0.00043%); highest among the groups gnomAD compares: Admixed American, 0.0084%; no homozygotes.

Submission:

Labcorp Genetics (formerly Invitae), Labcorp
Classification: Uncertain significance. Last evaluated: 2024-03-08. Review status: criteria provided, single submitter. Criteria: Invitae Variant Classification Sherloc (09022015). Collection method: clinical testing. Allele origin: germline.
Comment: This sequence change replaces alanine, which is neutral and non-polar, with threonine, which is neutral and polar, at codon 114 of the PALM protein (p.Ala114Thr). The frequency data for this variant in the population databases is considered unreliable, as metrics indicate poor data quality at this position in the gnomAD database. This variant has not been reported in the literature in individuals affected with PALM-related conditions. Algorithms developed to predict the effect of missense changes on protein structure and function output the following: SIFT: "Not Available"; PolyPhen-2: "Benign"; Align-GVGD: "Not Available". The threonine amino acid residue is found in multiple mammalian species, which suggests that this missense change does not adversely affect protein function. In summary, the available evidence is currently insufficient to determine the role of this variant in disease. Therefore, it has been classified as a Variant of Uncertain Significance.

NM_002579.3(PALM):c.340G>A (p.Ala114Thr)

Gene: PALM (paralemmin; plus strand). Cytogenetic location: 19p13.3.
Variant type: single nucleotide variant.
Coding change: c.340G>A on transcript NM_002579.3 (MANE Select); coding-DNA position 340, G replaced by A.
Protein change: p.Ala114Thr; replaces alanine 114 with threonine.
Molecular consequence: missense variant.
Genome position (GRCh38, 1-based): chr19:731,165, G>A. VCF-style: chr19-731165-G-A. GRCh37 (hg19) VCF-style: chr19-731165-G-A.
Other names: c.340G>A, p.Ala114Thr (NM_001040134.2); short protein forms A114T.
Identifiers: ClinVar variation 3614876 (VCV003614876.2).